The following is an entry in ClinVar:

ClinVar aggregate classification (germline): Likely benign (1 of 4 stars; one submission).

Conditions:
Cerebellar dysfunction with variable cognitive and behavioral abnormalities (CECBA). Also called: Nonprogressive cerebellar atxia with intellectual disability. Identifiers: Orphanet 314647, MedGen C3553661, MONDO:0013886, OMIM 614756.

gnomAD v4.1: 2 of 1,614,108 alleles (0.00012%); highest among the groups gnomAD compares: African/African-American, 0.0013%; no homozygotes.

Submission:

Centre for Medical Genetics,  Mumbai
Classification: Likely benign for Cerebellar dysfunction with variable cognitive and behavioral abnormalities. Last evaluated: 2026-01-30. Review status: criteria provided, single submitter. Criteria: ACMG Guidelines, 2015. Collection method: provider interpretation. Allele origin: germline. Inheritance: Autosomal dominant inheritance. Affected: no. Observed: 1 heterozygote.
Comment: The variant satisfies PM2 criteria; Extremely low frequency in gnomAD population databases. The variant satisfies PP2 criteria; Missense variant in a gene with low rate of benign missense mutations and for which missense mutation is a common mechanism of a disease. The variant satisfies BP4 criteria; For a missense or a splice region variant, computational prediction tools unanimously support a benign effect on the gene. However, the variant satisfies BS2 criteria.

Literature cited by the submitters: PubMed 22693284.

NM_015215.4(CAMTA1):c.3952G>A (p.Val1318Ile)

Genes: CAMTA1 (calmodulin binding transcription activator 1; plus strand), LOC126805603 (CDK7 strongly-dependent group 2 enhancer GRCh37_chr1:7798026-7799225; plus strand). Cytogenetic location: 1p36.23.
Variant type: single nucleotide variant.
Coding change: c.3952G>A on transcript NM_015215.4 (MANE Select); coding-DNA position 3952, G replaced by A.
Protein change: p.Val1318Ile; replaces valine 1318 with isoleucine.
Molecular consequence: missense variant. On other transcripts: intron variant (13).
Genome position (GRCh38, 1-based): chr1:7,738,252, G>A. VCF-style: chr1-7738252-G-A. GRCh37 (hg19) VCF-style: chr1-7798312-G-A.
Other names: c.3862G>A, p.Val1288Ile (NM_001349608.2); c.1081G>A, p.Val361Ile (NM_001349613.1); c.1024G>A, p.Val342Ile (NM_001349614.1, NM_001349615.2, NM_001349616.2 and 2 more transcripts); c.3659-46G>A (NM_001349609.2, NM_001349610.2, NM_001410737.1); c.3587-46G>A (NM_001410738.1); c.3569-46G>A (NM_001349612.2); c.731-46G>A (NM_001349620.1, NM_001349621.1, NM_001349625.2 and 5 more transcripts); short protein forms V1288I, V1318I, V342I, V361I.
Identifiers: ClinVar variation 4688067 (VCV004688067.1).